The following is an entry in ClinVar:

NM_004168.4(SDHA):c.1433-8del

Gene: SDHA (succinate dehydrogenase complex flavoprotein subunit A; plus strand). Cytogenetic location: 5p15.33.
Variant type: Deletion.
Coding change: c.1433-8del on transcript NM_004168.4 (MANE Select); 8 bases into the intron before coding-DNA position 1433, one base deleted (T; older notation c.1433-8delT).
Molecular consequence: intron variant.
Genome position (GRCh38, 1-based): chr5:240,350, T deleted; the last of 8 consecutive T bases (chr5:240,343-240,350); deleting any one gives the same sequence. VCF-style (leftmost placement, unchanged base first): chr5-240342-CT-C. GRCh37 (hg19) VCF-style: chr5-240457-CT-C.
Other names: c.1433-8del (NM_001330758.2); c.1289-8del (NM_001294332.2).
Identifiers: ClinVar variation 2164725 (VCV002164725.5), dbSNP rs769594966, ClinGen allele CA3173252.
Genomic context (GRCh38, chr5:240,342, plus strand): 5'-TTGTGTGTCATTCTAAATCCATTTGGTTTTTTAAAACGGTTTTCAAAAGTTAAATTCTAG[CT>C]TTTTTTTGTTTTAGGAGATAAAGTCCCTCCAATTAAACCAAACGCTGGGGAAGAATCTGT-3'

ClinVar aggregate classification (germline): Benign/Likely benign. Review status: criteria provided, multiple submitters, no conflicts (2 of 4 stars). 2 submissions from 2 submitters: Benign (1); Likely benign (1). Last evaluated 2025-07-22.

Conditions:
Mitochondrial complex II deficiency, nuclear type 1. Also called: SUCCINATE CoQ REDUCTASE DEFICIENCY. Identifiers: Orphanet 3208, MedGen C5700310, MONDO:0100294, OMIM 252011.
Pheochromocytoma/paraganglioma syndrome 5. Also called: Paragangliomas 5; SDHA-Related Hereditary Paraganglioma-Pheochromocytoma Syndrome. Identifiers: Orphanet 29072, MedGen C3279992, MONDO:0013602, OMIM 614165.

Submissions (2):

Labcorp Genetics (formerly Invitae), Labcorp
Classification: Benign for Pheochromocytoma/paraganglioma syndrome 5; Mitochondrial complex II deficiency, nuclear type 1. Last evaluated: 2025-07-22. Review status: criteria provided, single submitter. Criteria: Invitae Variant Classification Sherloc (09022015). Collection method: clinical testing. Allele origin: germline.

Myriad Genetics, Inc.
Classification: Likely benign for Pheochromocytoma/paraganglioma syndrome 5. Last evaluated: 2025-03-10. Review status: criteria provided, single submitter. Criteria: Myriad Autosomal Dominant, Autosomal Recessive and X-Linked Classification Criteria (2023). Collection method: clinical testing. Allele origin: unknown.
Comment: This variant is considered likely benign. This variant is intronic and is not expected to impact mRNA splicing.